The following is an entry in ClinVar:

ClinVar aggregate classification (germline): Uncertain significance. Review status: criteria provided, multiple submitters, no conflicts (2 of 4 stars). 2 submissions from 2 submitters: Uncertain significance (2). Last evaluated 2025-10-07.

Conditions:
Inborn genetic diseases. Identifiers: MedGen C0950123, MeSH D030342.

gnomAD v4.1: 1 of 1,612,466 alleles (0.000062%); highest among the groups gnomAD compares: Admixed American, 0.0017%; no homozygotes.

Submissions (2):

Ambry Genetics
Classification: Uncertain significance for Inborn genetic diseases. Last evaluated: 2025-10-07. Review status: criteria provided, single submitter. Criteria: Ambry Variant Classification Scheme 2023. Collection method: clinical testing. Allele origin: germline.

GeneDx
Classification: Uncertain significance. Last evaluated: 2024-10-02. Review status: criteria provided, single submitter. Criteria: GeneDx Variant Classification Process June 2021. Collection method: clinical testing. Allele origin: germline. Affected: yes.
Comment: Not observed at significant frequency in large population cohorts (gnomAD); In silico analysis supports that this missense variant has a deleterious effect on protein structure/function; Has not been previously published as pathogenic or benign to our knowledge

NM_001122659.3(EDNRB):c.992T>C (p.Val331Ala)

Genes: EDNRB (endothelin receptor type B; minus strand), EDNRB-AS1 (EDNRB antisense RNA 1; plus strand). Cytogenetic location: 13q22.3.
Variant type: single nucleotide variant.
Coding change: c.992T>C on transcript NM_001122659.3 (MANE Select); coding-DNA position 992, T replaced by C.
Protein change: p.Val331Ala; replaces valine 331 with alanine.
Molecular consequence: missense variant.
Genome position (GRCh38, 1-based): chr13:77,900,614, A>G on the plus strand (T>C on the coding strand, the complement: EDNRB is on the minus strand). VCF-style: chr13-77900614-A-G. GRCh37 (hg19) VCF-style: chr13-78474749-A-G.
Other names: c.992T>C, p.Val331Ala (NM_000115.5, NM_003991.4); c.1262T>C, p.Val421Ala (NM_001201397.2); c.992T>C (NM_000115.3); short protein forms V331A, V421A.
Identifiers: ClinVar variation 3776380 (VCV003776380.2).
Genomic context (GRCh38, chr13:77,900,614, plus strand): 5'-TTATAAAGAGTGAGCTTCAGAATCCTGCTGAGGTGAAGGGGAAGCCAGCAGAGGGCAAAG[A>G]CAAGGACCAGGCAAAAGACGGTTTTGGCCACTTCCCGTCTCTGAAATAAATCCATAGTTT-3'
Protein context (NP_001116131.1, residues 321-341): VAKTVFCLVL[Val331Ala]FALCWLPLHL